The following is an entry in ClinVar:

ClinVar aggregate classification (germline): Pathogenic/Likely pathogenic. Review status: criteria provided, multiple submitters, no conflicts (2 of 4 stars). 3 submissions from 3 submitters: Pathogenic (2); Likely pathogenic (1). Last evaluated 2025-07-25.

Conditions:
Autosomal recessive nonsyndromic hearing loss 18B. Also called: Deafness, autosomal recessive 18b. Identifiers: Orphanet 90636, MedGen C3554163, MONDO:0013985, OMIM 614945.
Rare genetic deafness. Identifiers: Orphanet 96210, MedGen C5680250.

Allele frequency attached by ClinVar (database versions not stated): TOPMed below 0.00001; gnomAD 0.00001; gnomAD exomes 0.00001.
gnomAD v4.1: 12 of 1,542,482 alleles (0.00078%); highest among the groups gnomAD compares: Middle Eastern, 0.017%; no homozygotes.

Submissions (3):

First Genomix Gene Laboratory, Genetic Diagnostics Department
Classification: Pathogenic for Autosomal recessive nonsyndromic hearing loss 18B. Last evaluated: 2025-07-25. Review status: criteria provided, single submitter. Criteria: ACMG Guidelines, 2015. Collection method: clinical testing. Allele origin: germline. Inheritance: Autosomal recessive inheritance. Affected: no. Observed: 1 variant allele.

GeneDx
Classification: Pathogenic. Last evaluated: 2024-04-01. Review status: criteria provided, single submitter. Criteria: GeneDx Variant Classification Process June 2021. Collection method: clinical testing. Allele origin: germline. Affected: yes.
Comment: Nonsense variant predicted to result in protein truncation or nonsense mediated decay in a gene for which loss of function is a known mechanism of disease; Not observed at significant frequency in large population cohorts (gnomAD); This variant is associated with the following publications: (PMID: 36515421)

Laboratory for Molecular Medicine, Mass General Brigham Personalized Medicine
Classification: Likely pathogenic for Rare genetic deafness. Last evaluated: 2017-01-24. Review status: criteria provided, single submitter. Criteria: LMM Criteria. Collection method: clinical testing. Allele origin: germline. Inheritance: Autosomal recessive inheritance. Observed: 1 variant allele.
Comment: The p.Gly1565X variant in OTOG has not been previously reported in individuals w ith hearing loss or in large population databases. This nonsense variant leads t o a premature termination codon at position 1565, which is predicted to lead to a truncated or absent protein. Two loss of function variants in the OTOG gene ha ve been reported to segregate with hearing loss in two families (Schraders 2012) . Furthermore, disruption of Otog in mice results in deafness, supporting a loss -of-function mechanism for the disease (Simmler 2000). In summary, while the p.G ly1565X variant is likely pathogenic for autosomal recessive nonsyndromic hearin g loss based on the predicted impact of the variant, additional evidence support ing the role of OTOG in hearing loss is needed to definitively establish the cli nical significance of this variant.

Literature cited by the submitters: PubMed 10655058 (cited by Laboratory for Molecular Medicine, Mass General Brigham Personalized Medicine); PubMed 23122587 (cited by Laboratory for Molecular Medicine, Mass General Brigham Personalized Medicine).

NM_001292063.2(OTOG):c.4657G>T (p.Gly1553Ter)

Gene: OTOG (otogelin; plus strand). Cytogenetic location: 11p15.1.
Variant type: single nucleotide variant.
Coding change: c.4657G>T on transcript NM_001292063.2 (MANE Select); coding-DNA position 4657, G replaced by T.
Protein change: p.Gly1553Ter; replaces glycine 1553 with a stop codon.
Molecular consequence: nonsense.
Genome position (GRCh38, 1-based): chr11:17,609,957, G>T. VCF-style: chr11-17609957-G-T. GRCh37 (hg19) VCF-style: chr11-17631504-G-T.
Other names: c.4693G>T, p.Gly1565Ter (NM_001277269.2); short protein forms G1565*, G1553*.
Identifiers: ClinVar variation 517223 (VCV000517223.8), dbSNP rs897822685, ClinGen allele CA218475481.